The following is an entry in ClinVar:

ClinVar aggregate classification (germline): Uncertain significance (1 of 4 stars; one submission).

Submission:

Ambry Genetics
Classification: Uncertain significance. Last evaluated: 2025-05-24. Review status: criteria provided, single submitter. Criteria: Ambry Variant Classification Scheme 2023. Collection method: clinical testing. Allele origin: germline.
Comment: The p.P313T variant (also known as c.937C>A), located in coding exon 9 of the ILK gene, results from a C to A substitution at nucleotide position 937. The proline at codon 313 is replaced by threonine, an amino acid with highly similar properties. This amino acid position is conserved. In addition, this alteration is predicted to be deleterious by in silico analysis. Based on the available evidence, the clinical significance of this variant remains unclear.

NM_004517.4(ILK):c.937C>A (p.Pro313Thr)

Genes: ILK (integrin linked kinase; plus strand), TAF10 (TATA-box binding protein associated factor 10; minus strand). Cytogenetic location: 11p15.4.
Variant type: single nucleotide variant.
Coding change: c.937C>A on transcript NM_004517.4 (MANE Select); coding-DNA position 937, C replaced by A.
Protein change: p.Pro313Thr; replaces proline 313 with threonine.
Molecular consequence: missense variant. On other transcripts: 3 prime UTR variant (1).
Genome position (GRCh38, 1-based): chr11:6,609,804, C>A. VCF-style: chr11-6609804-C-A. GRCh37 (hg19) VCF-style: chr11-6631035-C-A.
Other names: c.937C>A, p.Pro313Thr (NM_001014794.3, NM_001014795.3); c.754C>A, p.Pro252Thr (NM_001278441.2); c.535C>A, p.Pro179Thr (NM_001278442.2); c.*1118G>T (NM_006284.4); short protein forms P179T, P313T, P252T.
Identifiers: ClinVar variation 4038522 (VCV004038522.1).